The following is an entry in ClinVar:

ClinVar aggregate classification (germline): Uncertain significance (1 of 4 stars; one submission).

Allele frequency attached by ClinVar (database versions not stated): gnomAD 0.00001.
gnomAD v4.1: 1 of 1,614,092 alleles (0.000062%); highest among the groups gnomAD compares: African/African-American, 0.0013%; no homozygotes.

Submission:

Ambry Genetics
Classification: Uncertain significance. Last evaluated: 2023-04-23. Review status: criteria provided, single submitter. Criteria: Ambry Variant Classification Scheme 2023. Collection method: clinical testing. Allele origin: germline.
Comment: The p.I2112L variant (also known as c.6334A>C), located in coding exon 12 of the ALPK2 gene, results from an A to C substitution at nucleotide position 6334. The isoleucine at codon 2112 is replaced by leucine, an amino acid with highly similar properties. This amino acid position is conserved. In addition, this alteration is predicted to be tolerated by in silico analysis. Since supporting evidence is limited at this time, the clinical significance of this alteration remains unclear.

NM_052947.4(ALPK2):c.6334A>C (p.Ile2112Leu)

Gene: ALPK2 (alpha kinase 2; minus strand). Cytogenetic location: 18q21.31.
Variant type: single nucleotide variant.
Coding change: c.6334A>C on transcript NM_052947.4 (MANE Select); coding-DNA position 6334, A replaced by C.
Protein change: p.Ile2112Leu; replaces isoleucine 2112 with leucine.
Molecular consequence: missense variant.
Genome position (GRCh38, 1-based): chr18:58,482,002, T>G on the plus strand (A>C on the coding strand, the complement: ALPK2 is on the minus strand). VCF-style: chr18-58482002-T-G. GRCh37 (hg19) VCF-style: chr18-56149234-T-G.
Other names: short protein forms I2112L.
Identifiers: ClinVar variation 2561801 (VCV002561801.2), dbSNP rs756543711, ClinGen allele CA402538725.